The following is an entry in ClinVar:

NM_001253697.2(ERBIN):c.2519A>G (p.Asp840Gly)

Gene: ERBIN (erbb2 interacting protein; plus strand). Cytogenetic location: 5q12.3.
Variant type: single nucleotide variant.
Coding change: c.2519A>G on transcript NM_001253697.2 (MANE Select); coding-DNA position 2519, A replaced by G.
Protein change: p.Asp840Gly; replaces aspartic acid 840 with glycine.
Molecular consequence: missense variant.
Genome position (GRCh38, 1-based): chr5:66,053,837, A>G. VCF-style: chr5-66053837-A-G. GRCh37 (hg19) VCF-style: chr5-65349665-A-G.
Other names: c.2519A>G, p.Asp840Gly (NM_001006600.3, NM_001253698.2, NM_001253699.2 and 1 more transcripts); c.2507A>G, p.Asp836Gly (NM_001253701.2); short protein forms D836G, D840G.
Identifiers: ClinVar variation 3717487 (VCV003717487.2).

ClinVar aggregate classification (germline): Uncertain significance (1 of 4 stars; one submission).

gnomAD v4.1: 6 of 1,614,124 alleles (0.00037%); highest among the groups gnomAD compares: African/African-American, 0.0013%; no homozygotes.

Submission:

Labcorp Genetics (formerly Invitae), Labcorp
Classification: Uncertain significance. Last evaluated: 2025-04-14. Review status: criteria provided, single submitter. Criteria: Invitae Variant Classification Sherloc (09022015). Collection method: clinical testing. Allele origin: germline.
Comment: This sequence change replaces aspartic acid, which is acidic and polar, with glycine, which is neutral and non-polar, at codon 840 of the ERBIN protein (p.Asp840Gly). This variant is present in population databases (no rsID available, gnomAD 0.007%). This variant has not been reported in the literature in individuals affected with ERBIN-related conditions. ClinVar contains an entry for this variant (Variation ID: 3717487). An algorithm developed to predict the effect of missense changes on protein structure and function outputs the following: PolyPhen-2: "Benign". The glycine amino acid residue is found in multiple mammalian species, which suggests that this missense change does not adversely affect protein function. In summary, the available evidence is currently insufficient to determine the role of this variant in disease. Therefore, it has been classified as a Variant of Uncertain Significance.